The following is an entry in ClinVar:

ClinVar aggregate classification (germline): Uncertain significance (1 of 4 stars; one submission).

Conditions:
Propionic acidemia (PROP). Also called: HYPERGLYCINEMIA WITH KETOACIDOSIS AND LEUKOPENIA; KETOTIC HYPERGLYCINEMIA; GLYCINEMIA, KETOTIC. Identifiers: Orphanet 35, MedGen C0268579, MONDO:0011628, OMIM 606054, HP:0003571.

Allele frequency attached by ClinVar (database versions not stated): gnomAD exomes below 0.00001.
gnomAD v4.1: 5 of 1,614,160 alleles (0.00031%); highest among the groups gnomAD compares: Middle Eastern, 0.033%; no homozygotes.

Submission:

Labcorp Genetics (formerly Invitae), Labcorp
Classification: Uncertain significance for Propionic acidemia. Last evaluated: 2022-02-10. Review status: criteria provided, single submitter. Criteria: Invitae Variant Classification Sherloc (09022015). Collection method: clinical testing. Allele origin: germline.
Comment: This sequence change replaces aspartic acid, which is acidic and polar, with asparagine, which is neutral and polar, at codon 83 of the PCCB protein (p.Asp83Asn). This variant is present in population databases (no rsID available, gnomAD 0.0009%). This variant has not been reported in the literature in individuals affected with PCCB-related conditions. Advanced modeling of protein sequence and biophysical properties (such as structural, functional, and spatial information, amino acid conservation, physicochemical variation, residue mobility, and thermodynamic stability) performed at Invitae indicates that this missense variant is expected to disrupt PCCB protein function. In summary, the available evidence is currently insufficient to determine the role of this variant in disease. Therefore, it has been classified as a Variant of Uncertain Significance.

NM_000532.5(PCCB):c.247G>A (p.Asp83Asn)

Gene: PCCB (propionyl-CoA carboxylase subunit beta; plus strand). Cytogenetic location: 3q22.3.
Variant type: single nucleotide variant.
Coding change: c.247G>A on transcript NM_000532.5 (MANE Select); coding-DNA position 247, G replaced by A.
Protein change: p.Asp83Asn; replaces aspartic acid 83 with asparagine.
Molecular consequence: missense variant.
Genome position (GRCh38, 1-based): chr3:136,255,919, G>A. VCF-style: chr3-136255919-G-A. GRCh37 (hg19) VCF-style: chr3-135974761-G-A.
Other names: c.247G>A, p.Asp83Asn (NM_001178014.2); short protein forms D83N.
Identifiers: ClinVar variation 2141328 (VCV002141328.1), dbSNP rs1435839672, ClinGen allele CA354738490.